The following is an entry in ClinVar:

ClinVar aggregate classification (germline): Conflicting classifications of pathogenicity. Review status: criteria provided, conflicting classifications (1 of 4 stars). 3 submissions from 3 submitters: Uncertain significance (1); Likely benign (2). Last evaluated 2025-11-13.

Conditions:
KRAS-related disorder. Also called: KRAS-related disorders; KRAS-related condition.

gnomAD v4.1: 13 of 1,612,144 alleles (0.00081%); highest among the groups gnomAD compares: East Asian, 0.018%; no homozygotes.

Submissions (3):

PreventionGenetics, part of Exact Sciences
Classification: Uncertain significance for KRAS-related condition. Last evaluated: 2025-11-13. Review status: criteria provided, single submitter. Criteria: ACMG Guidelines, 2015. Collection method: clinical testing. Allele origin: germline.
Comment: The KRAS c.496T>C variant is predicted to result in the amino acid substitution p.Tyr166His. This variant has been reported with uncertain significance in a fetus with increased nuchal translucency from a prenatal cohort tested for Noonan syndrome (Table S2, Leach et al. 2019. PubMed ID: 29907801). This variant is reported in 0.0065% of alleles in individuals of South Asian descent in gnomAD and has been classified as likely benign by two labs in ClinVar (Variation ID: 386200). At this time, the clinical significance of this variant is uncertain due to the absence of conclusive functional and genetic evidence.

Women's Health and Genetics/Laboratory Corporation of America, LabCorp
Classification: Likely benign. Last evaluated: 2022-02-27. Review status: criteria provided, single submitter. Criteria: LabCorp Variant Classification Summary - May 2015. Collection method: clinical testing. Allele origin: germline.
Comment: Variant summary: KRAS c.496T>C (p.Tyr166His) results in a conservative amino acid change in the encoded protein sequence. Four of five in-silico tools predict a benign effect of the variant on protein function. The variant allele was found at a frequency of 8e-06 in 251188 control chromosomes. The available data on variant occurrences in the general population are insufficient to allow any conclusion about variant significance. These report(s) do not provide unequivocal conclusions about association of the variant with Noonan Syndrome And Related Conditions. The co-occurrence with another pathogenic variant(s) reported above (SOS1 c.925G>T, p.Asp309Tyr), provides supporting evidence for a benign role. To our knowledge, no experimental evidence demonstrating an impact on protein function has been reported. One clinical diagnostic laboratory has submitted clinical-significance assessments for this variant to ClinVar after 2014 without evidence for independent evaluation and classified the variant as likely benign. Based on the evidence outlined above, the variant was classified as likely benign.

GeneDx
Classification: Likely benign. Last evaluated: 2016-05-31. Review status: criteria provided, single submitter. Criteria: GeneDx Variant Classification (06012015). Collection method: clinical testing. Allele origin: germline. Affected: yes.
Comment: This variant is considered likely benign or benign based on one or more of the following criteria: it is a conservative change, it occurs at a poorly conserved position in the protein, it is predicted to be benign by multiple in silico algorithms, and/or has population frequency not consistent with disease.

Literature cited by the submitters: PubMed 29907801 (cited by Women's Health and Genetics/Laboratory Corporation of America, LabCorp); PubMed 22495831 (cited by Women's Health and Genetics/Laboratory Corporation of America, LabCorp).

NM_004985.5(KRAS):c.451-5604T>C

Gene: KRAS (KRas proto-oncogene, GTPase; minus strand). Cytogenetic location: 12p12.1.
Variant type: single nucleotide variant.
Coding change: c.451-5604T>C on transcript NM_004985.5 (MANE Select); 5604 bases into the intron before coding-DNA position 451, T replaced by C.
Molecular consequence: intron variant. On other transcripts: missense variant (2).
Genome position (GRCh38, 1-based): chr12:25,215,515, A>G on the plus strand (T>C on the coding strand, the complement: KRAS is on the minus strand). VCF-style: chr12-25215515-A-G. GRCh37 (hg19) VCF-style: chr12-25368449-A-G.
Other names: c.496T>C, p.Tyr166His (LRG_344t2, NM_001369786.1, NM_033360.4); c.451-5604T>C (LRG_344t1, NM_001369787.1); short protein forms Y166H.
Identifiers: ClinVar variation 386200 (VCV000386200.4), dbSNP rs397517476, ClinGen allele CA6486858.